The following is an entry in ClinVar:

ClinVar aggregate classification (germline): Uncertain significance (1 of 4 stars; one submission).

Allele frequency attached by ClinVar (database versions not stated): gnomAD exomes 0.00001; ExAC 0.00002; gnomAD 0.00004; TOPMed 0.00007; ESP Exome Variant Server 0.00015.
gnomAD v4.1: 19 of 1,614,062 alleles (0.0012%); highest among the groups gnomAD compares: African/African-American, 0.024%; no homozygotes.

Submission:

Labcorp Genetics (formerly Invitae), Labcorp
Classification: Uncertain significance. Last evaluated: 2022-05-15. Review status: criteria provided, single submitter. Criteria: Invitae Variant Classification Sherloc (09022015). Collection method: clinical testing. Allele origin: germline.
Comment: This sequence change replaces serine, which is neutral and polar, with asparagine, which is neutral and polar, at codon 154 of the DEF6 protein (p.Ser154Asn). This variant is present in population databases (rs369847754, gnomAD 0.03%). This variant has not been reported in the literature in individuals affected with DEF6-related conditions. Algorithms developed to predict the effect of missense changes on protein structure and function (SIFT, PolyPhen-2, Align-GVGD) all suggest that this variant is likely to be tolerated. In summary, the available evidence is currently insufficient to determine the role of this variant in disease. Therefore, it has been classified as a Variant of Uncertain Significance.

NM_022047.4(DEF6):c.461G>A (p.Ser154Asn)

Gene: DEF6 (DEF6 guanine nucleotide exchange factor; plus strand). Cytogenetic location: 6p21.31.
Variant type: single nucleotide variant.
Coding change: c.461G>A on transcript NM_022047.4 (MANE Select); coding-DNA position 461, G replaced by A.
Protein change: p.Ser154Asn; replaces serine 154 with asparagine.
Molecular consequence: missense variant.
Genome position (GRCh38, 1-based): chr6:35,312,339, G>A. VCF-style: chr6-35312339-G-A. GRCh37 (hg19) VCF-style: chr6-35280116-G-A.
Other names: short protein forms S154N.
Identifiers: ClinVar variation 2163903 (VCV002163903.1), dbSNP rs369847754, ClinGen allele CA3770727.